The following is an entry in ClinVar:

NM_198253.3(TERT):c.1130G>A (p.Arg377His)

Gene: TERT (telomerase reverse transcriptase; minus strand). Cytogenetic location: 5p15.33.
Variant type: single nucleotide variant.
Coding change: c.1130G>A on transcript NM_198253.3 (MANE Select); coding-DNA position 1130, G replaced by A.
Protein change: p.Arg377His; replaces arginine 377 with histidine.
Molecular consequence: missense variant. On other transcripts: non-coding transcript variant (2).
Genome position (GRCh38, 1-based): chr5:1,293,756, C>T on the plus strand (G>A on the coding strand, the complement: TERT is on the minus strand). VCF-style: chr5-1293756-C-T. GRCh37 (hg19) VCF-style: chr5-1293871-C-T.
Other names: c.1130G>A, p.Arg377His (NM_001193376.3); short protein forms R377H.
Identifiers: ClinVar variation 471815 (VCV000471815.10), dbSNP rs756954938, ClinGen allele CA3184873.

ClinVar aggregate classification (germline): Uncertain significance. Review status: criteria provided, multiple submitters, no conflicts (2 of 4 stars). 3 submissions from 3 submitters: Uncertain significance (3). Last evaluated 2025-04-17.

Conditions:
Pulmonary fibrosis and/or bone marrow failure, Telomere-related, 1. Also called: PULMONARY FIBROSIS AND/OR BONE MARROW FAILURE SYNDROME, TELOMERE-RELATED, 1. Identifiers: Orphanet 88, MedGen C3553617, MONDO:0013878, OMIM 614742.
Acute myeloid leukemia (AML). Also called: Leukemia, acute myeloid, somatic; Leukemia, acute myelogenous, somatic; Acute myeloid leukemia, adult; AML adult; Acute non-lymphocytic leukemia; Acute granulocytic leukemia. Identifiers: Orphanet 519, MedGen C0023467, MeSH D015470, MONDO:0018874, OMIM 601626, HP:0004808. Disease mechanism: Constitutively activated FLT3.
Dyskeratosis congenita, autosomal dominant 2. Identifiers: MedGen C3151443, MONDO:0013521, OMIM 613989.
Melanoma, cutaneous malignant, susceptibility to, 9. Also called: Cutaneous malignant melanoma 9. Identifiers: Orphanet 618, MedGen C3554574, MONDO:0014056, OMIM 615134.
Idiopathic Pulmonary Fibrosis. Also called: Idiopathic fibrosing alveolitis, chronic form; idiopathic fibrosing alveolitis. Identifiers: Orphanet 2032, MedGen C1800706, MeSH D054990, MONDO:0800504.
Dyskeratosis congenita. Identifiers: Orphanet 1775, MedGen C0265965, MONDO:0015780.

Allele frequency attached by ClinVar (database versions not stated): gnomAD exomes 0.00002 and 0.00001; ExAC 0.00005; TOPMed 0.00001.
gnomAD v4.1: 7 of 1,558,788 alleles (0.00045%); highest among the groups gnomAD compares: East Asian, 0.0048%; no homozygotes.

Submissions (3):

Ambry Genetics
Classification: Uncertain significance for Dyskeratosis congenita. Last evaluated: 2025-04-17. Review status: criteria provided, single submitter. Criteria: Ambry Variant Classification Scheme 2023. Collection method: clinical testing. Allele origin: germline.
Comment: The p.R377H variant (also known as c.1130G>A), located in coding exon 2 of the TERT gene, results from a G to A substitution at nucleotide position 1130. The arginine at codon 377 is replaced by histidine, an amino acid with highly similar properties. This amino acid position is not well conserved in available vertebrate species. In addition, the in silico prediction for this alteration is inconclusive. Based on the available evidence, the clinical significance of this variant remains unclear.

Fulgent Genetics
Classification: Uncertain significance for Acute myeloid leukemia; Dyskeratosis congenita, autosomal dominant 2; Pulmonary fibrosis and/or bone marrow failure, Telomere-related, 1; Melanoma, cutaneous malignant, susceptibility to, 9. Last evaluated: 2024-06-18. Review status: criteria provided, single submitter. Criteria: ACMG Guidelines, 2015. Collection method: clinical testing. Allele origin: germline.

Labcorp Genetics (formerly Invitae), Labcorp
Classification: Uncertain significance for Dyskeratosis congenita, autosomal dominant 2; Idiopathic Pulmonary Fibrosis. Last evaluated: 2024-02-20. Review status: criteria provided, single submitter. Criteria: Invitae Variant Classification Sherloc (09022015). Collection method: clinical testing. Allele origin: germline.
Comment: This sequence change replaces arginine, which is basic and polar, with histidine, which is basic and polar, at codon 377 of the TERT protein (p.Arg377His). The frequency data for this variant in the population databases is considered unreliable, as metrics indicate poor data quality at this position in the gnomAD database. This variant has not been reported in the literature in individuals affected with TERT-related conditions. ClinVar contains an entry for this variant (Variation ID: 471815). Algorithms developed to predict the effect of missense changes on protein structure and function output the following: SIFT: "Not Available"; PolyPhen-2: "Benign"; Align-GVGD: "Not Available". The histidine amino acid residue is found in multiple mammalian species, which suggests that this missense change does not adversely affect protein function. In summary, the available evidence is currently insufficient to determine the role of this variant in disease. Therefore, it has been classified as a Variant of Uncertain Significance.